The following is an entry in ClinVar:

ClinVar aggregate classification (germline): Likely benign. Review status: criteria provided, multiple submitters, no conflicts (2 of 4 stars). 2 submissions from 2 submitters: Likely benign (2). Last evaluated 2025-04-01.

Allele frequency attached by ClinVar (database versions not stated): gnomAD exomes 0.00002.
gnomAD v4.1: 33 of 1,610,606 alleles (0.002%); highest among the groups gnomAD compares: Non-Finnish European, 0.0024%; no homozygotes.

Submissions (2):

CeGaT Center for Human Genetics Tuebingen
Classification: Likely benign. Last evaluated: 2025-04-01. Review status: criteria provided, single submitter. Criteria: CeGaT Center For Human Genetics Tuebingen Variant Classification Criteria Version 2. Collection method: clinical testing. Allele origin: germline. Affected: yes. Observed: 1 variant allele.
Comment: PCLO: BP4, BP7

Labcorp Genetics (formerly Invitae), Labcorp
Classification: Likely benign. Last evaluated: 2023-10-13. Review status: criteria provided, single submitter. Criteria: Invitae Variant Classification Sherloc (09022015). Collection method: clinical testing. Allele origin: germline.

NM_033026.6(PCLO):c.7332A>G (p.Thr2444=)

Gene: PCLO (piccolo presynaptic cytomatrix protein; minus strand). Cytogenetic location: 7q21.11.
Variant type: single nucleotide variant.
Coding change: c.7332A>G on transcript NM_033026.6 (MANE Select); coding-DNA position 7332, A replaced by G.
Protein change: p.Thr2444=; no amino-acid change (threonine 2444 retained).
Molecular consequence: synonymous variant.
Genome position (GRCh38, 1-based): chr7:82,953,621, T>C on the plus strand (A>G on the coding strand, the complement: PCLO is on the minus strand). VCF-style: chr7-82953621-T-C. GRCh37 (hg19) VCF-style: chr7-82582937-T-C.
Other names: c.7332A>G, p.Thr2444= (NM_014510.3).
Identifiers: ClinVar variation 2984410 (VCV002984410.10), dbSNP rs1392982100, ClinGen allele CA456340117.
Genomic context (GRCh38, chr7:82,953,621, plus strand): 5'-GGTCTCTAGAGTAGTAACAGCATCAAACAGAGGTGTAGCTGTAGTCACTGGAGATGCAAC[T>C]GTTAACTTTTTTTTAGGAAGAATAGTTGGTTTAGGTGAAGTTGGTGGAGGAAGTGGTGGG-3'
Protein context (NP_149015.2, residues 2434-2454): KPTILPKKKL[Thr2444=]VASPVTTATP